The following is an entry in ClinVar:

NM_001035.3(RYR2):c.10621A>C (p.Thr3541Pro)

Gene: RYR2 (ryanodine receptor 2; plus strand). Cytogenetic location: 1q43.
Variant type: single nucleotide variant.
Coding change: c.10621A>C on transcript NM_001035.3 (MANE Select); coding-DNA position 10621, A replaced by C.
Protein change: p.Thr3541Pro; replaces threonine 3541 with proline.
Molecular consequence: missense variant.
Genome position (GRCh38, 1-based): chr1:237,723,194, A>C. VCF-style: chr1-237723194-A-C. GRCh37 (hg19) VCF-style: chr1-237886494-A-C.
Other names: c.10621A>C (NM_001035.2); short protein forms T3541P.
Identifiers: ClinVar variation 3070339 (VCV003070339.2), dbSNP rs1689895964, ClinGen allele CA345416115.
Genomic context (GRCh38, chr1:237,723,194, plus strand): 5'-GATCCTGCTATTAGATGGCAAATGGCTCTTTACAAAGACTTACCAAACAGGACTGATGAT[A>C]CCTCAGATCCAGAGAAGACGGTAGAAAGAGTATTGGATATAGCAAATGTGCTTTTTCATC-3'
Protein context (NP_001026.2, residues 3531-3551): YKDLPNRTDD[Thr3541Pro]SDPEKTVERV

ClinVar aggregate classification (germline): Uncertain significance. Review status: criteria provided, multiple submitters, no conflicts (2 of 4 stars). 2 submissions from 2 submitters: Uncertain significance (2). Last evaluated 2026-07-06.

Conditions:
Catecholaminergic polymorphic ventricular tachycardia (CVPT). Also called: Catecholamine-induced polymorphic ventricular tachycardia. Identifiers: Orphanet 3286, MedGen C5574922, MONDO:0017990.
Cardiovascular phenotype. Identifiers: MedGen CN230736.

Allele frequency attached by ClinVar (database versions not stated): gnomAD exomes below 0.00001; TOPMed below 0.00001.
gnomAD v4.1: 1 of 1,611,008 alleles (0.000062%); highest among the groups gnomAD compares: Non-Finnish European, 0.000085%; no homozygotes.

Submissions (2):

Ambry Genetics
Classification: Uncertain significance for Cardiovascular phenotype. Last evaluated: 2026-07-06. Review status: criteria provided, single submitter. Criteria: Ambry Variant Classification Scheme 2023. Collection method: clinical testing. Allele origin: germline.
Comment: The p.T3541P variant (also known as c.10621A>C), located in coding exon 74 of the RYR2 gene, results from an A to C substitution at nucleotide position 10621. The threonine at codon 3541 is replaced by proline, an amino acid with highly similar properties. This amino acid position is conserved. In addition, this alteration is predicted to be tolerated by in silico analysis. Based on the available evidence, the clinical significance of this variant remains unclear.

All of Us Research Program, National Institutes of Health
Classification: Uncertain significance for Catecholaminergic polymorphic ventricular tachycardia. Last evaluated: 2023-05-31. Review status: criteria provided, single submitter. Criteria: ACMG Guidelines, 2015. Collection method: clinical testing. Allele origin: germline. Inheritance: Autosomal dominant inheritance. Observed: 2 variant alleles, 2 heterozygotes.
Comment: This study involves interpretation of variants in research participants for the purpose of population health screening. Participant phenotype was not available at the time of variant classification. Additional details can be found in publication PMID: 35346344, PMCID: PMC8962531